The following is an entry in ClinVar:

NM_000070.3(CAPN3):c.1006T>A (p.Tyr336Asn)

Gene: CAPN3 (calpain 3; plus strand). Cytogenetic location: 15q15.1.
Variant type: single nucleotide variant.
Coding change: c.1006T>A on transcript NM_000070.3 (MANE Select); coding-DNA position 1006, T replaced by A.
Protein change: p.Tyr336Asn; replaces tyrosine 336 with asparagine.
Molecular consequence: missense variant.
Genome position (GRCh38, 1-based): chr15:42,392,699, T>A. VCF-style: chr15-42392699-T-A. GRCh37 (hg19) VCF-style: chr15-42684897-T-A.
Other names: c.1006T>A, p.Tyr336Asn (NM_024344.2); c.862T>A, p.Tyr288Asn (NM_173087.2); short protein forms Y288N, Y336N.
Identifiers: ClinVar variation 3896328 (VCV003896328.2).
Genomic context (GRCh38, chr15:42,392,699, plus strand): 5'-ACAATCATTCCGGTTCAGTATGAGACAAGAATGGCCTGCGGGCTGGTCAGAGGTCACGCC[T>A]ACTCTGTCACGGGGCTGGATGAGGTAAGCCTGGTGGGGCTTGGTGGGGCAAGGGCACCCT-3'
Protein context (NP_000061.1, residues 326-346): MACGLVRGHA[Tyr336Asn]SVTGLDEVPF

ClinVar aggregate classification (germline): Pathogenic (1 of 4 stars; one submission).

Conditions:
Autosomal recessive limb-girdle muscular dystrophy. Identifiers: Orphanet 102015, MedGen C2931907, MONDO:0015152.

Submission:

Women's Health and Genetics/Laboratory Corporation of America, LabCorp
Classification: Pathogenic for Autosomal recessive limb-girdle muscular dystrophy. Last evaluated: 2025-04-11. Review status: criteria provided, single submitter. Criteria: LabCorp Variant Classification Summary - May 2015. Collection method: clinical testing. Allele origin: germline.
Comment: Variant summary: CAPN3 c.1006T>A (p.Tyr336Asn) results in a non-conservative amino acid change in the encoded protein sequence. Five of five in-silico tools predict a damaging effect of the variant on protein function. The variant was absent in 251148 control chromosomes. c.1006T>A has been observed in the homozygous and compound heterozygous state in individuals affected with calpainopathy and segregated with disease in at least one family (Richard_1999, Balci_2006, Gorkumez_2023, Topalolu_1997). These data indicate that the variant is very likely to be associated with disease. To our knowledge, no experimental evidence demonstrating an impact on protein function has been reported. The following publications have been ascertained in the context of this evaluation (PMID: 16411092, 36964972, 10330340, 9309711). No submitters have cited clinical-significance assessments for this variant to ClinVar. Based on the evidence outlined above, the variant was classified as pathogenic.

Literature cited by the submitters: PubMed 16411092; PubMed 10330340; PubMed 36964972; PubMed 9309711.